The following is an entry in ClinVar:

ClinVar aggregate classification (germline): Conflicting classifications of pathogenicity. Review status: criteria provided, conflicting classifications (1 of 4 stars). 2 submissions from 2 submitters: Likely pathogenic (1); Uncertain significance (1). Last evaluated 2025-06-17.

Conditions:
Alport syndrome. Also called: Hemorrhagic familial nephritis; Hemorrhagic hereditary nephritis; Congenital hereditary hematuria. Identifiers: Orphanet 63, MedGen C1567741, MONDO:0018965.

Submissions (2):

Victorian Clinical Genetics Services, Murdoch Childrens Research Institute
Classification: Likely pathogenic for Alport syndrome. Last evaluated: 2025-06-17. Review status: criteria provided, single submitter. Criteria: ACMG Guidelines, 2015. Collection method: clinical testing. Allele origin: germline. Affected: yes.
Comment: This variant is classified as Likely pathogenic. Evidence in support of pathogenic classification: Variant is absent from gnomAD (v2, v3 and v4); This variant has limited previous evidence of pathogenicity in an unrelated individual(s). Another missense variant comparable to the one identified in this case has limited previous evidence for pathogenicity. p.(Gly392Glu) has been classified as pathogenic/likely pathogenic by clinical laboratories in ClinVar; Variant is located in the well-established functional Gly-X-Y motif in the collagen triple helical domain (DECIPHER); Missense variant predicted to be damaging by in silico tool(s) or highly conserved with a major amino acid change. Additional information: Variant is predicted to result in a missense amino acid change from glycine to arginine; This variant is heterozygous; This gene is associated with both recessive and dominant Alport syndrome (MONDO:0018965), COL4A3-related; Dominant negative and loss of function are known mechanisms of disease in this gene and are associated with Alport syndrome (MONDO:0018965), COL4A3-related. Glycine changes that are part of a G-X-Y repeat in the triple helix of a collagen domain are known to have a dominant negative effect (PMID: 12028435); Inheritance information for this variant is not currently available in this individual.

Labcorp Genetics (formerly Invitae), Labcorp
Classification: Uncertain significance. Last evaluated: 2021-11-09. Review status: criteria provided, single submitter. Criteria: Invitae Variant Classification Sherloc (09022015). Collection method: clinical testing. Allele origin: germline.
Comment: In summary, the available evidence is currently insufficient to determine the role of this variant in disease. Therefore, it has been classified as a Variant of Uncertain Significance. Advanced modeling of protein sequence and biophysical properties (such as structural, functional, and spatial information, amino acid conservation, physicochemical variation, residue mobility, and thermodynamic stability) performed at Invitae indicates that this missense variant is expected to disrupt COL4A3 protein function. This missense change has been observed in individual(s) with Alport syndrome (Invitae). This variant is not present in population databases (gnomAD no frequency). This sequence change replaces glycine, which is neutral and non-polar, with arginine, which is basic and polar, at codon 392 of the COL4A3 protein (p.Gly392Arg).

Literature cited by the submitters: PubMed 12028435 (cited by Victorian Clinical Genetics Services, Murdoch Childrens Research Institute).

NM_000091.5(COL4A3):c.1174G>A (p.Gly392Arg)

Genes: COL4A3 (collagen type IV alpha 3 chain; plus strand), MFF-DT (MFF divergent transcript; minus strand). Cytogenetic location: 2q36.3.
Variant type: single nucleotide variant.
Coding change: c.1174G>A on transcript NM_000091.5 (MANE Select); coding-DNA position 1174, G replaced by A.
Protein change: p.Gly392Arg; replaces glycine 392 with arginine.
Molecular consequence: missense variant.
Genome position (GRCh38, 1-based): chr2:227,263,803, G>A. VCF-style: chr2-227263803-G-A. GRCh37 (hg19) VCF-style: chr2-228128519-G-A.
Other names: c.1174G>A (NM_000091.4); short protein forms G392R.
Identifiers: ClinVar variation 1346743 (VCV001346743.9), dbSNP rs2070734616, ClinGen allele CA350868717.
Genomic context (GRCh38, chr2:227,263,803, plus strand): 5'-AAAATGTAAAATACAAGAAATGATTATTTTCTCCAAGGATCATCAAGGCCTGGCCTCAGA[G>A]GAGCCCCTGGATGGCCAGGCCTGAAAGGAAGTAAAGGGGAACGAGGCCGCCCAGGAAAGG-3'
Protein context (NP_000082.2, residues 382-402): SPGSSRPGLR[Gly392Arg]APGWPGLKGS